The following is an entry in ClinVar:

ClinVar aggregate classification (germline): Uncertain significance (1 of 4 stars; one submission).

Conditions:
Atypical hemolytic-uremic syndrome. Identifiers: Orphanet 2134, MedGen C2931788, MONDO:0016244.

gnomAD v4.1: 4 of 1,613,782 alleles (0.00025%); highest among the groups gnomAD compares: Admixed American, 0.0017%; no homozygotes.

Submission:

Genomenon, Inc
Classification: Uncertain significance for Atypical hemolytic-uremic syndrome. Last evaluated: 2025-10-02. Review status: criteria provided, single submitter. Criteria: Genomenon Sequence Variant Interpretation Standards - Updated. Collection method: curation. Allele origin: germline. Affected: yes.
Comment: CFH p.Lys1186Thr (c.3557A>C) is a missense variant that changes the amino acid at residue 1186 from Lysine to Threonine. This variant has been observed in at least one proband affected with atypical hemolytic-uremic syndrome (PMID:30890598;27799617;28596415;26019860). The variant was found to segregate with disease in at least one affected family (PMID:26019860). Functional studies have been reported (PMID:34189567). It is absent or not present at a significant frequency in gnomAD. In conclusion, we classify CFH p.Lys1186Thr (c.3557A>C) as a variant of uncertain significance.

Literature cited by the submitters: PubMed 30890598; PubMed 27799617; PubMed 28596415; PubMed 26019860; PubMed 34189567.

NM_000186.4(CFH):c.3557A>C (p.Lys1186Thr)

Gene: CFH (complement factor H; plus strand). Cytogenetic location: 1q31.3.
Variant type: single nucleotide variant.
Coding change: c.3557A>C on transcript NM_000186.4 (MANE Select); coding-DNA position 3557, A replaced by C.
Protein change: p.Lys1186Thr; replaces lysine 1186 with threonine.
Molecular consequence: missense variant.
Genome position (GRCh38, 1-based): chr1:196,747,174, A>C. VCF-style: chr1-196747174-A-C. GRCh37 (hg19) VCF-style: chr1-196716304-A-C.
Other names: short protein forms K1186T.
Identifiers: ClinVar variation 4291607 (VCV004291607.1).